The following is an entry in ClinVar:

NM_017617.5(NOTCH1):c.2665G>A (p.Gly889Ser)

Gene: NOTCH1 (notch receptor 1; minus strand). Cytogenetic location: 9q34.3.
Variant type: single nucleotide variant.
Coding change: c.2665G>A on transcript NM_017617.5 (MANE Select); coding-DNA position 2665, G replaced by A.
Protein change: p.Gly889Ser; replaces glycine 889 with serine.
Molecular consequence: missense variant.
Genome position (GRCh38, 1-based): chr9:136,510,728, C>T on the plus strand (G>A on the coding strand, the complement: NOTCH1 is on the minus strand). VCF-style: chr9-136510728-C-T. GRCh37 (hg19) VCF-style: chr9-139405180-C-T.
Other names: c.2665G>A, p.Gly889Ser (LRG_1122t1); c.2665G>A (NM_017617.4); short protein forms G889S.
Identifiers: ClinVar variation 477903 (VCV000477903.11), dbSNP rs557590721, ClinGen allele CA5341208.

ClinVar aggregate classification (germline): Conflicting classifications of pathogenicity. Review status: criteria provided, conflicting classifications (1 of 4 stars). 3 submissions from 3 submitters: Uncertain significance (1); Likely benign (1). 1 of the submissions does not count toward it. Last evaluated 2026-02-18.

Conditions:
Familial thoracic aortic aneurysm and aortic dissection (TAAD). Also called: Thoracic aortic aneurysms and dissections. Identifiers: Orphanet 91387, MedGen C4707243, MONDO:0019625.
NOTCH1-related disorder. Also called: NOTCH1-related condition; NOTCH1-related disorders.
Adams-Oliver syndrome 5 (AOS5). Identifiers: Orphanet 974, MedGen C4014970, MONDO:0014459, OMIM 616028.

Allele frequency attached by ClinVar (database versions not stated): gnomAD exomes 0.00002; gnomAD 0.00003; ExAC 0.00004; TOPMed 0.00004; 1000 Genomes Project 0.00020; 1000 Genomes Project 30x 0.00031.
gnomAD v4.1: 36 of 1,610,586 alleles (0.0022%); highest among the groups gnomAD compares: African/African-American, 0.012%; no homozygotes.

Submissions (3):

Ambry Genetics
Classification: Uncertain significance for Familial thoracic aortic aneurysm and aortic dissection. Last evaluated: 2026-02-18. Review status: criteria provided, single submitter. Criteria: Ambry Variant Classification Scheme 2023. Collection method: clinical testing. Allele origin: germline.
Comment: The p.G889S variant (also known as c.2665G>A), located in coding exon 17 of the NOTCH1 gene, results from a G to A substitution at nucleotide position 2665. The glycine at codon 889 is replaced by serine, an amino acid with similar properties. This amino acid position is highly conserved in available vertebrate species. In addition, this alteration is predicted to be deleterious by in silico analysis. Based on the available evidence, the clinical significance of this variant remains unclear.

Labcorp Genetics (formerly Invitae), Labcorp
Classification: Likely benign for Adams-Oliver syndrome 5. Last evaluated: 2025-12-23. Review status: criteria provided, single submitter. Criteria: Invitae Variant Classification Sherloc (09022015). Collection method: clinical testing. Allele origin: germline.

PreventionGenetics, part of Exact Sciences
Classification: Uncertain significance for NOTCH1-related condition. Last evaluated: 2024-07-05. Review status: no assertion criteria provided. Collection method: clinical testing. Allele origin: germline. Not counted in ClinVar's aggregate classification.
Comment: The NOTCH1 c.2665G>A variant is predicted to result in the amino acid substitution p.Gly889Ser. To our knowledge, this variant has not been reported in the literature. This variant is reported in 0.0055% of alleles in individuals of European (Non-Finnish) descent in gnomAD. At this time, the clinical significance of this variant is uncertain due to the absence of conclusive functional and genetic evidence.